The following is an entry in ClinVar:

ClinVar aggregate classification (germline): Uncertain significance (1 of 4 stars; one submission).

Conditions:
PRIMPOL-related disorder. Also called: PRIMPOL-related condition.

gnomAD v4.1: 22 of 1,598,596 alleles (0.0014%); highest among the groups gnomAD compares: South Asian, 0.0034%; no homozygotes.

Submission:

PreventionGenetics, part of Exact Sciences
Classification: Uncertain significance for PRIMPOL-related condition. Last evaluated: 2024-11-29. Review status: criteria provided, single submitter. Criteria: ACMG Guidelines, 2015. Collection method: clinical testing. Allele origin: germline.
Comment: The PRIMPOL c.844G>A variant is predicted to result in the amino acid substitution p.Gly282Arg. To our knowledge, this variant has not been reported in the literature. This variant is present in 0.0065% of alleles in individuals of African descent in gnomAD. At this time, the clinical significance of this variant is uncertain due to the absence of conclusive functional and genetic evidence.

NM_152683.4(PRIMPOL):c.844G>A (p.Gly282Arg)

Gene: PRIMPOL (primase and DNA directed polymerase; plus strand). Cytogenetic location: 4q35.1.
Variant type: single nucleotide variant.
Coding change: c.844G>A on transcript NM_152683.4 (MANE Select); coding-DNA position 844, G replaced by A.
Protein change: p.Gly282Arg; replaces glycine 282 with arginine.
Molecular consequence: missense variant. On other transcripts: non-coding transcript variant (3).
Genome position (GRCh38, 1-based): chr4:184,672,460, G>A. VCF-style: chr4-184672460-G-A. GRCh37 (hg19) VCF-style: chr4-185593614-G-A.
Other names: c.457G>A, p.Gly153Arg (NM_001300767.2); c.844G>A, p.Gly282Arg (NM_001300768.2, NM_001345891.2, NM_001345892.2 and 3 more transcripts); c.148G>A, p.Gly50Arg (NM_001345894.2, NM_001345897.2, NM_001345898.2 and 1 more transcripts); c.844G>A, p.Val282Ile (NM_001345899.2); c.319G>A, p.Gly107Arg (NM_001345900.2); short protein forms G50R, G282R, G107R, V282I, G153R.
Identifiers: ClinVar variation 4986912 (VCV004986912.1).